The following is an entry in ClinVar:

NM_021076.4(NEFH):c.1503_1505dup (p.Lys502_Ser503insLys)

Gene: NEFH (neurofilament heavy chain; plus strand). Cytogenetic location: 22q12.2.
Variant type: Duplication.
Coding change: c.1503_1505dup on transcript NM_021076.4 (MANE Select); coding-DNA positions 1503 to 1505, 3 bases duplicated (AAA; older notation c.1503_1505dupAAA).
Protein change: p.Lys502_Ser503insLys.
Molecular consequence: inframe insertion.
Genome position (GRCh38, 1-based): chr22:29,489,143-29,489,145, AAA duplicated. VCF-style (leftmost placement, unchanged base first): chr22-29489142-C-CAAA. GRCh37 (hg19) VCF-style: chr22-29885131-C-CAAA.
Other names: c.1503_1505dupAAA (NM_021076.3).
Identifiers: ClinVar variation 2177373 (VCV002177373.6), dbSNP rs774880782, ClinGen allele CA10174223.

ClinVar aggregate classification (germline): Uncertain significance. Review status: criteria provided, multiple submitters, no conflicts (2 of 4 stars). 2 submissions from 2 submitters: Uncertain significance (2). Last evaluated 2026-03-18.

Conditions:
NEFH-related disorder. Also called: NEFH-related condition.

Allele frequency attached by ClinVar (database versions not stated): ExAC 0.00001; TOPMed 0.00015; gnomAD 0.00016; ESP Exome Variant Server 0.00759.

Submissions (2):

PreventionGenetics, part of Exact Sciences
Classification: Uncertain significance for NEFH-related condition. Last evaluated: 2026-03-18. Review status: criteria provided, single submitter. Criteria: ACMG Guidelines, 2015. Collection method: clinical testing. Allele origin: germline.
Comment: The NEFH c.1503_1505dupAAA variant is predicted to result in an in-frame duplication (p.Lys502dup). To our knowledge, this variant has not been reported in the literature. This variant is reported in 0.065% of alleles in individuals of African descent in gnomAD. Although we suspect that this variant may be benign, at this time, the clinical significance of this variant is uncertain due to the absence of conclusive functional and genetic evidence.

Labcorp Genetics (formerly Invitae), Labcorp
Classification: Uncertain significance. Last evaluated: 2023-11-01. Review status: criteria provided, single submitter. Criteria: Invitae Variant Classification Sherloc (09022015). Collection method: clinical testing. Allele origin: germline.
Comment: This variant, c.1503_1505dup, results in the insertion of 1 amino acid(s) of the NEFH protein (p.Lys502dup), but otherwise preserves the integrity of the reading frame. This variant is present in population databases (rs774880782, gnomAD 0.06%), and has an allele count higher than expected for a pathogenic variant. This variant has not been reported in the literature in individuals affected with NEFH-related conditions. ClinVar contains an entry for this variant (Variation ID: 2177373). In summary, the available evidence is currently insufficient to determine the role of this variant in disease. Therefore, it has been classified as a Variant of Uncertain Significance.